The following is an entry in ClinVar:

ClinVar aggregate classification (germline): Uncertain significance (1 of 4 stars; one submission).

Allele frequency attached by ClinVar (database versions not stated): gnomAD 0.00001; gnomAD exomes 0.00001; TOPMed 0.00001; ExAC 0.00005.
gnomAD v4.1: 13 of 1,604,358 alleles (0.00081%); highest among the groups gnomAD compares: Admixed American, 0.0017%; no homozygotes.

Submission:

Labcorp Genetics (formerly Invitae), Labcorp
Classification: Uncertain significance. Last evaluated: 2025-04-21. Review status: criteria provided, single submitter. Criteria: Invitae Variant Classification Sherloc (09022015). Collection method: clinical testing. Allele origin: germline.
Comment: This sequence change replaces threonine, which is neutral and polar, with methionine, which is neutral and non-polar, at codon 264 of the TCF3 protein (p.Thr264Met). The frequency data for this variant in the population databases is considered unreliable, as metrics indicate poor data quality at this position in the gnomAD database. This variant has not been reported in the literature in individuals affected with TCF3-related conditions. ClinVar contains an entry for this variant (Variation ID: 1981912). Invitae Evidence Modeling of protein sequence and biophysical properties (such as structural, functional, and spatial information, amino acid conservation, physicochemical variation, residue mobility, and thermodynamic stability) indicates that this missense variant is not expected to disrupt TCF3 protein function with a negative predictive value of 80%. In summary, the available evidence is currently insufficient to determine the role of this variant in disease. Therefore, it has been classified as a Variant of Uncertain Significance.

NM_003200.5(TCF3):c.791C>T (p.Thr264Met)

Gene: TCF3 (transcription factor 3; minus strand). Cytogenetic location: 19p13.3.
Variant type: single nucleotide variant.
Coding change: c.791C>T on transcript NM_003200.5 (MANE Select); coding-DNA position 791, C replaced by T.
Protein change: p.Thr264Met; replaces threonine 264 with methionine.
Molecular consequence: missense variant.
Genome position (GRCh38, 1-based): chr19:1,622,085, G>A on the plus strand (C>T on the coding strand, the complement: TCF3 is on the minus strand). VCF-style: chr19-1622085-G-A. GRCh37 (hg19) VCF-style: chr19-1622084-G-A.
Other names: c.791C>T, p.Thr264Met (NM_001136139.4, NM_001351778.2, NM_001351779.2); short protein forms T264M.
Identifiers: ClinVar variation 1981912 (VCV001981912.4), dbSNP rs748395369, ClinGen allele CA9050234.
Genomic context (GRCh38, chr19:1,622,085, plus strand): 5'-CACCCCCTGCCCCCTGCCCTGGGTCCTACCATACGCTCGTGCTGGTGCAGGCCACCAAAC[G>A]TGCTGCTGCTTCCACTGCTGCCCACCGGGCCGCTACCGGGCGGGAGGGGCAGCGGGGATG-3'
Protein context (NP_003191.1, residues 254-274): GPVGSSGSSS[Thr264Met]FGGLHQHERM